The following is an entry in ClinVar:

NM_024490.4(ATP10A):c.1581+8T>C

Gene: ATP10A (ATPase phospholipid transporting 10A (putative); minus strand). Cytogenetic location: 15q12.
Variant type: single nucleotide variant.
Coding change: c.1581+8T>C on transcript NM_024490.4 (MANE Select); 8 bases into the intron after coding-DNA position 1581, T replaced by C.
Molecular consequence: intron variant.
Genome position (GRCh38, 1-based): chr15:25,718,174, A>G on the plus strand (T>C on the coding strand, the complement: ATP10A is on the minus strand). VCF-style: chr15-25718174-A-G. GRCh37 (hg19) VCF-style: chr15-25963321-A-G.
Identifiers: ClinVar variation 381124 (VCV000381124.1), dbSNP rs376579126, ClinGen allele CA7436761.

ClinVar aggregate classification (germline): Likely benign (1 of 4 stars; one submission).

Allele frequency attached by ClinVar (database versions not stated): gnomAD exomes 0.00001 and 0.00002; ExAC 0.00002; TOPMed 0.00002; gnomAD 0.00003 and 0.00004; ESP Exome Variant Server 0.00015.
gnomAD v4.1: 36 of 1,611,842 alleles (0.0022%); highest among the groups gnomAD compares: Middle Eastern, 0.049%; no homozygotes.

Submission:

GeneDx
Classification: Likely benign. Last evaluated: 2015-10-22. Review status: criteria provided, single submitter. Criteria: GeneDx Variant Classification (06012015). Collection method: clinical testing. Allele origin: germline. Affected: yes.
Comment: This variant is considered likely benign or benign based on one or more of the following criteria: it is a conservative change, it occurs at a poorly conserved position in the protein, it is predicted to be benign by multiple in silico algorithms, and/or has population frequency not consistent with disease.